The following is an entry in ClinVar:

ClinVar aggregate classification (germline): Uncertain significance. Review status: criteria provided, multiple submitters, no conflicts (2 of 4 stars). 2 submissions from 2 submitters: Uncertain significance (2). Last evaluated 2025-03-21.

Submissions (2):

GeneDx
Classification: Uncertain significance. Last evaluated: 2025-03-21. Review status: criteria provided, single submitter. Criteria: GeneDx Variant Classification Process June 2021. Collection method: clinical testing. Allele origin: germline. Affected: yes.
Comment: Not observed at significant frequency in large population cohorts (gnomAD); In silico analysis indicates that this missense variant does not alter protein structure/function; Has not been previously published as pathogenic or benign to our knowledge

Women's Health and Genetics/Laboratory Corporation of America, LabCorp
Classification: Uncertain significance. Last evaluated: 2024-03-11. Review status: criteria provided, single submitter. Criteria: LabCorp Variant Classification Summary - May 2015. Collection method: clinical testing. Allele origin: germline.
Comment: Variant summary: JMJD3 c.1586C>A (p.Pro529Gln) results in a non-conservative amino acid change in the encoded protein sequence. Three of five in-silico tools predict a benign effect of the variant on protein function. The variant was absent in 260340 control chromosomes. The available data on variant occurrences in the general population are insufficient to allow any conclusion about variant significance. To our knowledge, no occurrence of c.1586C>A in individuals affected with Neurodevelopmental Disorder With Coarse Facies And Mild Distal Skeletal Abnormalities and no experimental evidence demonstrating its impact on protein function have been reported. No submitters have cited clinical-significance assessments for this variant to ClinVar. Based on the evidence outlined above, the variant was classified as uncertain significance.

NM_001348716.2(KDM6B):c.1586C>A (p.Pro529Gln)

Gene: KDM6B (lysine demethylase 6B; plus strand). Cytogenetic location: 17p13.1.
Variant type: single nucleotide variant.
Coding change: c.1586C>A on transcript NM_001348716.2 (MANE Select); coding-DNA position 1586, C replaced by A.
Protein change: p.Pro529Gln; replaces proline 529 with glutamine.
Molecular consequence: missense variant.
Genome position (GRCh38, 1-based): chr17:7,847,874, C>A. VCF-style: chr17-7847874-C-A. GRCh37 (hg19) VCF-style: chr17-7751192-C-A.
Other names: c.1586C>A, p.Pro529Gln (NM_001080424.2); c.1586C>A (NM_001080424.1); short protein forms P529Q.
Identifiers: ClinVar variation 3233518 (VCV003233518.3), dbSNP rs200120484, ClinGen allele CA397917004.